The following is an entry in ClinVar:

NM_016955.4(SEPSECS):c.782A>G (p.Lys261Arg)

Gene: SEPSECS (Sep (O-phosphoserine) tRNA:Sec (selenocysteine) tRNA synthase; minus strand). Cytogenetic location: 4p15.2.
Variant type: single nucleotide variant.
Coding change: c.782A>G on transcript NM_016955.4 (MANE Select); coding-DNA position 782, A replaced by G.
Protein change: p.Lys261Arg; replaces lysine 261 with arginine.
Molecular consequence: missense variant.
Genome position (GRCh38, 1-based): chr4:25,151,982, T>C on the plus strand (A>G on the coding strand, the complement: SEPSECS is on the minus strand). VCF-style: chr4-25151982-T-C. GRCh37 (hg19) VCF-style: chr4-25153604-T-C.
Other names: c.1037A>G, p.Lys346Arg (NM_001410714.1); c.782A>G, p.Lys261Arg (NM_153825.2); c.782A>G (NM_016955.3); short protein forms K261R, K346R.
Identifiers: ClinVar variation 1962644 (VCV001962644.6), dbSNP rs1712330038, ClinGen allele CA356540142.

ClinVar aggregate classification (germline): Uncertain significance. Review status: criteria provided, multiple submitters, no conflicts (2 of 4 stars). 2 submissions from 2 submitters: Uncertain significance (2). Last evaluated 2025-08-06.

Conditions:
Inborn genetic diseases. Identifiers: MedGen C0950123, MeSH D030342.

Allele frequency attached by ClinVar (database versions not stated): TOPMed below 0.00001.

Submissions (2):

Ambry Genetics
Classification: Uncertain significance for Inborn genetic diseases. Last evaluated: 2025-08-06. Review status: criteria provided, single submitter. Criteria: Ambry Variant Classification Scheme 2023. Collection method: clinical testing. Allele origin: germline.

Labcorp Genetics (formerly Invitae), Labcorp
Classification: Uncertain significance. Last evaluated: 2022-08-05. Review status: criteria provided, single submitter. Criteria: Invitae Variant Classification Sherloc (09022015). Collection method: clinical testing. Allele origin: germline.
Comment: Algorithms developed to predict the effect of missense changes on protein structure and function (SIFT, PolyPhen-2, Align-GVGD) all suggest that this variant is likely to be tolerated. In summary, the available evidence is currently insufficient to determine the role of this variant in disease. Therefore, it has been classified as a Variant of Uncertain Significance. This sequence change replaces lysine, which is basic and polar, with arginine, which is basic and polar, at codon 261 of the SEPSECS protein (p.Lys261Arg). This variant is not present in population databases (gnomAD no frequency). This variant has not been reported in the literature in individuals affected with SEPSECS-related conditions.